The following is an entry in ClinVar:

ClinVar aggregate classification (germline): Pathogenic (1 of 4 stars; one submission).

Conditions:
Neuronal ceroid lipofuscinosis. Also called: Neuronal Ceroid Lipofuscinoses. Identifiers: Orphanet 216, Orphanet 79263, MedGen C0027877, MONDO:0016295. Disease mechanism: loss of function.

Submission:

Myriad Genetics, Inc.
Classification: Pathogenic for Neuronal ceroid lipofuscinosis. Last evaluated: 2026-03-10. Review status: criteria provided, single submitter. Criteria: Myriad Autosomal Dominant, Autosomal Recessive and X-Linked Classification Criteria (2023). Collection method: clinical testing. Allele origin: unknown.
Comment: NM_018941.3(CLN8):c.689delA(H230Lfs*2) is a frameshift variant classified as pathogenic in the context of CLN8-related neuronal ceroid lipofuscinosis. H230Lfs*2 has not been observed in cases with relevant disease. Relevant functional assessments of this variant are not available in the literature. H230Lfs*2 has not been observed in referenced population frequency databases. In summary, NM_018941.3(CLN8):c.689delA(H230Lfs*2) is a frameshift variant in a gene where loss of function is a known mechanism of disease and is predicted to disrupt protein function. Please note: this variant was assessed in the context of healthy population screening.

NM_018941.4(CLN8):c.689del (p.His230fs)

Gene: CLN8 (CLN8 transmembrane ER and ERGIC protein; plus strand). Cytogenetic location: 8p23.3.
Variant type: Deletion.
Coding change: c.689del on transcript NM_018941.4 (MANE Select); coding-DNA position 689, one base deleted (A; older notation c.689delA).
Protein change: p.His230fs; shifts the reading frame from histidine 230.
Molecular consequence: frameshift variant.
Genome position (GRCh38, 1-based): chr8:1,780,395, A deleted. VCF-style (leftmost placement, unchanged base first): chr8-1780394-CA-C. GRCh37 (hg19) VCF-style: chr8-1728560-CA-C.
Other names: short protein forms H230fs.
Identifiers: ClinVar variation 5004529 (VCV005004529.1).